The following is an entry in ClinVar:

NM_181486.4(TBX5):c.727G>A (p.Glu243Lys)

Gene: TBX5 (T-box transcription factor 5; minus strand). Cytogenetic location: 12q24.21.
Variant type: single nucleotide variant.
Coding change: c.727G>A on transcript NM_181486.4 (MANE Select); coding-DNA position 727, G replaced by A.
Protein change: p.Glu243Lys; replaces glutamic acid 243 with lysine.
Molecular consequence: missense variant.
Genome position (GRCh38, 1-based): chr12:114,385,504, C>T on the plus strand (G>A on the coding strand, the complement: TBX5 is on the minus strand). VCF-style: chr12-114385504-C-T. GRCh37 (hg19) VCF-style: chr12-114823309-C-T.
Other names: c.727G>A, p.Glu243Lys (NM_000192.3); c.577G>A, p.Glu193Lys (NM_080717.4); short protein forms E193K, E243K.
Identifiers: ClinVar variation 1758062 (VCV001758062.2), dbSNP rs759983816, ClinGen allele CA6809525.

ClinVar aggregate classification (germline): Uncertain significance (1 of 4 stars; one submission).

Conditions:
Cardiovascular phenotype. Identifiers: MedGen CN230736.

Allele frequency attached by ClinVar (database versions not stated): gnomAD exomes below 0.00001; ExAC 0.00001; gnomAD 0.00001.
gnomAD v4.1: 7 of 1,614,000 alleles (0.00043%); highest among the groups gnomAD compares: Non-Finnish European, 0.00051%; no homozygotes.

Submission:

Ambry Genetics
Classification: Uncertain significance for Cardiovascular phenotype. Last evaluated: 2022-04-03. Review status: criteria provided, single submitter. Criteria: Ambry Variant Classification Scheme 2023. Collection method: clinical testing. Allele origin: germline.
Comment: The p.E243K variant (also known as c.727G>A), located in coding exon 6 of the TBX5 gene, results from a G to A substitution at nucleotide position 727. The glutamic acid at codon 243 is replaced by lysine, an amino acid with similar properties. This amino acid position is conserved. In addition, the in silico prediction for this alteration is inconclusive. Since supporting evidence is limited at this time, the clinical significance of this alteration remains unclear.